The following is an entry in ClinVar:

ClinVar aggregate classification (germline): Likely pathogenic (1 of 4 stars; one submission).

Submission:

GeneDx
Classification: Likely pathogenic. Last evaluated: 2019-11-12. Review status: criteria provided, single submitter. Criteria: GeneDx Variant Classification Process June 2021. Collection method: clinical testing. Allele origin: germline. Affected: yes.
Comment: Not observed in large population cohorts (Lek et al., 2016); In silico analysis, which includes protein predictors and evolutionary conservation, supports a deleterious effect; Has not been previously published as pathogenic or benign to our knowledge; This variant is associated with the following publications: (PMID: 31443933, 31618753)

NM_001039591.3(USP9X):c.392T>A (p.Ile131Asn)

Gene: USP9X (ubiquitin specific peptidase 9 X-linked; plus strand). Cytogenetic location: Xp11.4.
Variant type: single nucleotide variant.
Coding change: c.392T>A on transcript NM_001039591.3 (MANE Select); coding-DNA position 392, T replaced by A.
Protein change: p.Ile131Asn; replaces isoleucine 131 with asparagine.
Molecular consequence: missense variant.
Genome position (GRCh38, 1-based): chrX:41,134,794, T>A. VCF-style: chrX-41134794-T-A. GRCh37 (hg19) VCF-style: chrX-40994047-T-A.
Other names: c.392T>A, p.Ile131Asn (NM_001039590.3); short protein forms I131N.
Identifiers: ClinVar variation 427036 (VCV000427036.4), dbSNP rs1085307914, ClinGen allele CA412761954.
Genomic context (GRCh38, chrX:41,134,794, plus strand): 5'-TTAAAAGTGAAGCATGTCAGCGATTTTTCCGTGATGGGCTAACAATATCATTCACTAAAA[T>A]TCTTACAGATGAAGCAGTGAGTGGCTGGAAGTTTGAAATTCATGTGAGTCTTGCATTTGA-3'
Protein context (NP_001034680.2, residues 121-141): RDGLTISFTK[Ile131Asn]LTDEAVSGWK